The following is an entry in ClinVar:

ClinVar aggregate classification (germline): Uncertain significance. Review status: criteria provided, multiple submitters, no conflicts (2 of 4 stars). 2 submissions from 2 submitters: Uncertain significance (2). Last evaluated 2025-09-01.

Conditions:
Cowden syndrome 6 (CWS6). Identifiers: Orphanet 201, MedGen C3554519, MONDO:0014048, OMIM 615109.
Inborn genetic diseases. Identifiers: MedGen C0950123, MeSH D030342.

Allele frequency attached by ClinVar (database versions not stated): gnomAD exomes below 0.00001.
gnomAD v4.1: 7 of 1,614,148 alleles (0.00043%); highest among the groups gnomAD compares: Non-Finnish European, 0.00059%; no homozygotes.

Submissions (2):

Ambry Genetics
Classification: Uncertain significance for Inborn genetic diseases. Last evaluated: 2025-09-01. Review status: criteria provided, single submitter. Criteria: Ambry Variant Classification Scheme 2023. Collection method: clinical testing. Allele origin: germline.
Comment: The p.R346H variant (also known as c.1037G>A), located in coding exon 10 of the AKT1 gene, results from a G to A substitution at nucleotide position 1037. The arginine at codon 346 is replaced by histidine, an amino acid with highly similar properties. This amino acid position is conserved. In addition, this alteration is predicted to be tolerated by in silico analysis. Based on the available evidence, the clinical significance of this variant remains unclear.

Labcorp Genetics (formerly Invitae), Labcorp
Classification: Uncertain significance for Cowden syndrome 6. Last evaluated: 2021-07-16. Review status: criteria provided, single submitter. Criteria: Invitae Variant Classification Sherloc (09022015). Collection method: clinical testing. Allele origin: germline.
Comment: In summary, the available evidence is currently insufficient to determine the role of this variant in disease. Therefore, it has been classified as a Variant of Uncertain Significance. Algorithms developed to predict the effect of missense changes on protein structure and function (SIFT, PolyPhen-2, Align-GVGD) all suggest that this variant is likely to be tolerated. This variant has not been reported in the literature in individuals affected with AKT1-related conditions. This variant is not present in population databases (ExAC no frequency). This sequence change replaces arginine with histidine at codon 346 of the AKT1 protein (p.Arg346His). The arginine residue is highly conserved and there is a small physicochemical difference between arginine and histidine.

NM_001382430.1(AKT1):c.1037G>A (p.Arg346His)

Gene: AKT1 (AKT serine/threonine kinase 1; minus strand). Cytogenetic location: 14q32.33.
Variant type: single nucleotide variant.
Coding change: c.1037G>A on transcript NM_001382430.1 (MANE Select); coding-DNA position 1037, G replaced by A.
Protein change: p.Arg346His; replaces arginine 346 with histidine.
Molecular consequence: missense variant.
Genome position (GRCh38, 1-based): chr14:104,773,013, C>T on the plus strand (G>A on the coding strand, the complement: AKT1 is on the minus strand). VCF-style: chr14-104773013-C-T. GRCh37 (hg19) VCF-style: chr14-105239350-C-T.
Other names: c.1037G>A, p.Arg346His (NM_001014431.2, NM_001014432.2, NM_001382431.1 and 3 more transcripts); short protein forms R346H.
Identifiers: ClinVar variation 1437680 (VCV001437680.9), dbSNP rs1219649544, ClinGen allele CA391217109.
Genomic context (GRCh38, chr14:104,773,013, plus strand): 5'-ATCTCCTCCATGAGGATGAGCTCAAAAAGCTTCTCATGGTCCTGGTTGTAGAAGGGCAGG[C>T]GACCGCACATCATCTCGTACATGACCACGCCCAGCCCCCACCAGTCCACTGCACGGCCGT-3'
Protein context (NP_001369359.1, residues 336-356): GVVMYEMMCG[Arg346His]LPFYNQDHEK